The following is an entry in ClinVar:

ClinVar aggregate classification (germline): Uncertain significance (1 of 4 stars; one submission).

gnomAD v4.1: 1 of 1,611,516 alleles (0.000062%); highest among the groups gnomAD compares: Non-Finnish European, 0.000085%; no homozygotes.

Submission:

Labcorp Genetics (formerly Invitae), Labcorp
Classification: Uncertain significance. Last evaluated: 2024-12-31. Review status: criteria provided, single submitter. Criteria: Invitae Variant Classification Sherloc (09022015). Collection method: clinical testing. Allele origin: germline.
Comment: This sequence change affects codon 141 of the THAP11 mRNA. It is a 'silent' change, meaning that it does not change the encoded amino acid sequence of the THAP11 protein. This variant is not present in population databases (gnomAD no frequency). This variant has not been reported in the literature in individuals affected with THAP11-related conditions. In summary, the available evidence is currently insufficient to determine the role of this variant in disease. Therefore, it has been classified as a Variant of Uncertain Significance.

NM_020457.3(THAP11):c.423G>A (p.Gln141=)

Genes: CENPT (centromere protein T; minus strand), THAP11 (THAP domain containing 11; plus strand). Cytogenetic location: 16q22.1.
Variant type: single nucleotide variant.
Coding change: c.423G>A on transcript NM_020457.3 (MANE Select); coding-DNA position 423, G replaced by A.
Protein change: p.Gln141=; no amino-acid change (glutamine 141 retained).
Molecular consequence: synonymous variant. On other transcripts: intron variant (1).
Genome position (GRCh38, 1-based): chr16:67,842,977, G>A. VCF-style: chr16-67842977-G-A. GRCh37 (hg19) VCF-style: chr16-67876880-G-A.
Other names: c.-492+4424C>T (NM_025082.4).
Identifiers: ClinVar variation 3622685 (VCV003622685.2).